The following is an entry in ClinVar:

NM_004797.4(ADIPOQ):c.331T>C (p.Tyr111His)

Genes: ADIPOQ (adiponectin, C1Q and collagen domain containing; plus strand), ADIPOQ-AS1 (ADIPOQ antisense RNA 1; minus strand). Cytogenetic location: 3q27.3.
Variant type: single nucleotide variant.
Coding change: c.331T>C on transcript NM_004797.4 (MANE Select); coding-DNA position 331, T replaced by C.
Protein change: p.Tyr111His; replaces tyrosine 111 with histidine.
Molecular consequence: missense variant. On other transcripts: non-coding transcript variant (1).
Genome position (GRCh38, 1-based): chr3:186,854,300, T>C. VCF-style: chr3-186854300-T-C. GRCh37 (hg19) VCF-style: chr3-186572089-T-C.
Other names: c.331T>C, p.Tyr111His (NM_001177800.2); short protein forms Y111H.
Identifiers: ClinVar variation 3042029 (VCV003042029.3), dbSNP rs17366743, ClinGen allele CA2747975.

ClinVar aggregate classification (germline): Likely benign. Review status: criteria provided, single submitter (1 of 4 stars). 2 submissions from 2 submitters: Likely benign (1). 1 of the submissions does not count toward it. Last evaluated 2024-11-26.

Conditions:
ADIPOQ-related disorder. Also called: ADIPOQ-related condition.

Allele frequency attached by ClinVar (database versions not stated): 1000 Genomes Project 0.01138; 1000 Genomes Project 30x 0.01187; TOPMed 0.01851; gnomAD 0.02054; ExAC 0.02116; ESP Exome Variant Server 0.02376.
gnomAD v4.1: 44,766 of 1,614,206 alleles (2.8%); highest among the groups gnomAD compares: Non-Finnish European, 3.2%; 727 homozygotes.

Submissions (2):

Blueprint Genetics
Classification: Likely benign. Last evaluated: 2024-11-26. Review status: criteria provided, single submitter. Criteria: ACMG Guidelines, 2015. Collection method: clinical testing. Allele origin: germline.

PreventionGenetics, part of Exact Sciences
Classification: Benign for ADIPOQ-related condition. Last evaluated: 2019-09-24. Review status: no assertion criteria provided. Collection method: clinical testing. Allele origin: germline. Not counted in ClinVar's aggregate classification.
Comment: This variant is classified as benign based on ACMG/AMP sequence variant interpretation guidelines (Richards et al. 2015 PMID: 25741868, with internal and published modifications).